The following is an entry in ClinVar:

ClinVar aggregate classification (germline): Likely pathogenic. Review status: reviewed by expert panel (3 of 4 stars). 4 submissions from 4 submitters: Likely pathogenic (1). 3 of the submissions do not count toward it. Last evaluated 2025-05-16.

Conditions:
Hereditary cancer-predisposing syndrome. Also called: Hereditary Cancer Syndrome; Neoplastic Syndromes, Hereditary; Hereditary neoplastic syndrome; Tumor predisposition. Identifiers: Orphanet 140162, MedGen C0027672, MeSH D009386, MONDO:0015356.
Familial adenomatous polyposis 1 (FAP1). Also called: FAMILIAL ADENOMATOUS POLYPOSIS 1, ATTENUATED; POLYPOSIS, ADENOMATOUS INTESTINAL. Identifiers: MedGen C2713442, MONDO:0021056, OMIM 175100. Disease mechanism: loss of function.

Submissions (4):

ClinGen InSiGHT Hereditary Colorectal Cancer/Polyposis Variant Curation Expert Panel
Classification: Likely pathogenic for Familial adenomatous polyposis 1. Last evaluated: 2025-05-16. Review status: reviewed by expert panel. Criteria: ClinGen InSiGHT HCCP VCEP ACMG Specifications APC V1. Collection method: curation. Allele origin: germline. Inheritance: Autosomal dominant inheritance.
Comment: The NM_000038.6(APC):c.1743G>C (p.?) variant in APC is a G to non-G change at the last nucleotide of exon 14. It is predicted to cause skipping of exon 14, resulting in an in-frame deletion of an exon with sufficient supportive clinical data (PVS1_Strong). This variant has been reported in 1 family meeting phenotypic criteria, resulting in a total phenotype score of 1 (PS4_Supporting [Ambry Genetics]). The variant has been reported in 5 additional probands with a colorectal cancer/polyposis associated phenotype not meeting phenotypic criteria (internal data Labcorp Genetics [formerly Invitae] and Ambry Genetics) and 1 proband without any clinical information (GeneDX). This variant is absent from gnomAD v2.1.1 (PM2_Supporting). In summary, this variant meets the criteria to be classified as Likely Pathogenic for autosomal-dominant inherited FAP based on the ACMG/AMP criteria applied, as specified by the ClinGen InSiGHT Hereditary Colorectal Cancer/Polyposis: criteria PVS1_Strong, PS4_Supporting and PM2_Supporting applied (VCEP specifications v2.0.3; date of approval 7/24/2023).

Labcorp Genetics (formerly Invitae), Labcorp
Classification: Likely pathogenic for Familial adenomatous polyposis 1. Last evaluated: 2025-11-17. Review status: criteria provided, single submitter. Criteria: Invitae Variant Classification Sherloc (09022015). Collection method: clinical testing. Allele origin: germline. Not counted in ClinVar's aggregate classification.
Comment: This sequence change replaces lysine, which is basic and polar, with asparagine, which is neutral and polar, at codon 581 of the APC protein (p.Lys581Asn). This variant also falls at the last nucleotide of exon 14, which is part of the consensus splice site for this exon. This variant is not present in population databases (gnomAD no frequency). This missense change has been observed in individuals with familial adenomatous polyposis (internal data). It has also been observed to segregate with disease in related individuals. ClinVar contains an entry for this variant (Variation ID: 428153). An algorithm developed to predict the effect of missense changes on protein structure and function (PolyPhen-2) suggests that this variant is likely to be tolerated. Variants that disrupt the consensus splice site are a relatively common cause of aberrant splicing (PMID: 17576681, 9536098). Algorithms developed to predict the effect of sequence changes on RNA splicing suggest that this variant may disrupt the consensus splice site. In summary, the currently available evidence indicates that the variant is pathogenic, but additional data are needed to prove that conclusively. Therefore, this variant has been classified as Likely Pathogenic.

Ambry Genetics
Classification: Pathogenic for Hereditary cancer-predisposing syndrome. Last evaluated: 2025-07-24. Review status: criteria provided, single submitter. Criteria: Ambry Variant Classification Scheme 2023. Collection method: clinical testing. Allele origin: germline. Not counted in ClinVar's aggregate classification.
Comment: The c.1743G>C (p.K581N) alteration is located in exon 14 (coding exon 13) of the APC gene. This alteration results from a G to C substitution at nucleotide position 1743, causing the lysine (K) at amino acid position 581 to be replaced by an asparagine (N). However, this change occurs in the last base pair of coding exon 13, which makes it likely to have some effect on normal mRNA splicing. This variant was not reported in population-based cohorts in the Genome Aggregation Database (gnomAD). This variant was identified in one or more individuals with features consistent with APC-related familial adenomatous polyposis (Ambry internal data). This nucleotide position is highly conserved in available vertebrate species. In silico splice site analysis predicts that this alteration will weaken the native splice donor site; however direct evidence is unavailable. The predicted resulting transcript is in-frame and is not expected to trigger nonsense-mediated mRNA decay; however, the region predicted to be impacted is critical for protein function, and other variants predicted or observed to have the same splicing impact have been reported in individuals with APC-associated familial adenomatous polyposis (Ambry internal data). Based on the available evidence, this alteration is classified as pathogenic.

GeneDx
Classification: Likely pathogenic. Last evaluated: 2025-04-28. Review status: criteria provided, single submitter. Criteria: GeneDx Variant Classification Process June 2021. Collection method: clinical testing. Allele origin: germline. Affected: yes. Not counted in ClinVar's aggregate classification.
Comment: Not observed at significant frequency in large population cohorts (gnomAD); Alters the last nucleotide of the exon and is predicted to damage the splice donor site but the effect on protein function is unclear; A different variant affecting the same splice site (c.1742A>G) has been reported in individuals with a personal or family history consistent with pathogenic variants in this gene and demonstrated to result in the in-frame deletion of exon 14, which is located in the critical armadillo region (PMID: 20223039, 18199528, 19196998); This variant is associated with the following publications: (PMID: 20223039, 19196998, 32750050, 37542411, 39357517, 18199528)

Literature cited by the submitters: PubMed 17576681 (cited by Labcorp Genetics (formerly Invitae), Labcorp); PubMed 9536098 (cited by Labcorp Genetics (formerly Invitae), Labcorp).

NM_000038.6(APC):c.1743G>C (p.Lys581Asn)

Gene: APC (APC regulator of Wnt signaling pathway; plus strand). Cytogenetic location: 5q22.2.
Variant type: single nucleotide variant.
Coding change: c.1743G>C on transcript NM_000038.6 (MANE Select); coding-DNA position 1743, G replaced by C.
Protein change: p.Lys581Asn; replaces lysine 581 with asparagine.
Molecular consequence: missense variant.
Genome position (GRCh38, 1-based): chr5:112,828,972, G>C. VCF-style: chr5-112828972-G-C. GRCh37 (hg19) VCF-style: chr5-112164669-G-C.
Other names: NM_000038.6(APC):c.1743G>C; p.Lys581Asn; c.1743G>C, p.Lys581Asn (NM_001127510.3, NM_001354895.2); c.1668G>C, p.Lys556Asn (NM_001354898.2); c.1797G>C, p.Lys599Asn (NM_001354896.2); c.1773G>C, p.Lys591Asn (NM_001354897.2); c.1689G>C, p.Lys563Asn (NM_001127511.3); c.1659G>C, p.Lys553Asn (NM_001354899.2); and 7 more; short protein forms K563N, K581N, K455N, K480N, K421N, K522N, K540N, K556N.
Identifiers: ClinVar variation 428153 (VCV000428153.22), dbSNP rs1114167592, ClinGen allele CA16025124.